The following is an entry in ClinVar:

ClinVar aggregate classification (germline): Uncertain significance (1 of 4 stars; one submission).

Submission:

Labcorp Genetics (formerly Invitae), Labcorp
Classification: Uncertain significance. Last evaluated: 2025-07-03. Review status: criteria provided, single submitter. Criteria: Invitae Variant Classification Sherloc (09022015). Collection method: clinical testing. Allele origin: germline.
Comment: This sequence change replaces glycine, which is neutral and non-polar, with alanine, which is neutral and non-polar, at codon 1351 of the SETD5 protein (p.Gly1351Ala). This variant is not present in population databases (gnomAD no frequency). This variant has not been reported in the literature in individuals affected with SETD5-related conditions. Invitae Evidence Modeling of protein sequence and biophysical properties (such as structural, functional, and spatial information, amino acid conservation, physicochemical variation, residue mobility, and thermodynamic stability) indicates that this missense variant is not expected to disrupt SETD5 protein function with a negative predictive value of 80%. In summary, the available evidence is currently insufficient to determine the role of this variant in disease. Therefore, it has been classified as a Variant of Uncertain Significance.

NM_001080517.3(SETD5):c.4052G>C (p.Gly1351Ala)

Gene: SETD5 (SET domain containing 5; plus strand). Cytogenetic location: 3p25.3.
Variant type: single nucleotide variant.
Coding change: c.4052G>C on transcript NM_001080517.3 (MANE Select); coding-DNA position 4052, G replaced by C.
Protein change: p.Gly1351Ala; replaces glycine 1351 with alanine.
Molecular consequence: missense variant.
Genome position (GRCh38, 1-based): chr3:9,475,814, G>C. VCF-style: chr3-9475814-G-C. GRCh37 (hg19) VCF-style: chr3-9517498-G-C.
Other names: c.3758G>C, p.Gly1253Ala (NM_001292043.2, NM_001349451.2); c.4148G>C, p.Gly1383Ala (NM_001437633.1); c.4166G>C, p.Gly1389Ala (NM_001437635.1); c.4109G>C, p.Gly1370Ala (NM_001437643.1); c.4091G>C, p.Gly1364Ala (NM_001437701.1); short protein forms G1253A, G1351A, G1383A, G1364A, G1370A, G1389A.
Identifiers: ClinVar variation 4706976 (VCV004706976.1).